The following is an entry in ClinVar:

ClinVar aggregate classification (germline): Uncertain significance (1 of 4 stars; one submission).

Conditions:
Congenital adrenal hyperplasia due to cytochrome P450 oxidoreductase deficiency. Also called: DISORDERED STEROIDOGENESIS DUE TO POR DEFICIENCY. Identifiers: Orphanet 95699, MedGen C1860042, MONDO:0013310, OMIM 613571.

Submission:

Labcorp Genetics (formerly Invitae), Labcorp
Classification: Uncertain significance for Congenital adrenal hyperplasia due to cytochrome P450 oxidoreductase deficiency. Last evaluated: 2025-06-07. Review status: criteria provided, single submitter. Criteria: Invitae Variant Classification Sherloc (09022015). Collection method: clinical testing. Allele origin: germline.
Comment: This sequence change replaces phenylalanine, which is neutral and non-polar, with cysteine, which is neutral and slightly polar, at codon 226 of the POR protein (p.Phe226Cys). This variant is not present in population databases (gnomAD no frequency). This variant has not been reported in the literature in individuals affected with POR-related conditions. Invitae Evidence Modeling of protein sequence and biophysical properties (such as structural, functional, and spatial information, amino acid conservation, physicochemical variation, residue mobility, and thermodynamic stability) indicates that this missense variant is not expected to disrupt POR protein function with a negative predictive value of 80%. In summary, the available evidence is currently insufficient to determine the role of this variant in disease. Therefore, it has been classified as a Variant of Uncertain Significance.

NM_001395413.1(POR):c.668T>G (p.Phe223Cys)

Gene: POR (cytochrome p450 oxidoreductase; plus strand). Cytogenetic location: 7q11.23.
Variant type: single nucleotide variant.
Coding change: c.668T>G on transcript NM_001395413.1 (MANE Select); coding-DNA position 668, T replaced by G.
Protein change: p.Phe223Cys; replaces phenylalanine 223 with cysteine.
Molecular consequence: missense variant.
Genome position (GRCh38, 1-based): chr7:75,981,552, T>G. VCF-style: chr7-75981552-T-G. GRCh37 (hg19) VCF-style: chr7-75610870-T-G.
Other names: c.668T>G, p.Phe223Cys (NM_001367562.3, NM_001382657.2, NM_001382658.3 and 2 more transcripts); c.722T>G, p.Phe241Cys (NM_001382655.3); short protein forms F223C, F241C.
Identifiers: ClinVar variation 4703438 (VCV004703438.1).
Genomic context (GRCh38, chr7:75,981,552, plus strand): 5'-TCCCCCTCTCCTCTCCTCGGCCCAGCTTGGAGGAGGACTTCATCACCTGGCGAGAGCAGT[T>G]CTGGCCGGCCGTGTGTGAACACTTTGGGGTGGAAGCCACTGGCGAGGAGTCCAGGTGAGC-3'
Protein context (NP_001382342.1, residues 213-233): EEDFITWREQ[Phe223Cys]WPAVCEHFGV